The following is an entry in ClinVar:

NM_000292.3(PHKA2):c.770C>G (p.Ala257Gly)

Gene: PHKA2 (phosphorylase kinase regulatory subunit alpha 2; minus strand). Cytogenetic location: Xp22.13.
Variant type: single nucleotide variant.
Coding change: c.770C>G on transcript NM_000292.3 (MANE Select); coding-DNA position 770, C replaced by G.
Protein change: p.Ala257Gly; replaces alanine 257 with glycine.
Molecular consequence: missense variant.
Genome position (GRCh38, 1-based): chrX:18,941,623, G>C on the plus strand (C>G on the coding strand, the complement: PHKA2 is on the minus strand). VCF-style: chrX-18941623-G-C. GRCh37 (hg19) VCF-style: chrX-18959741-G-C.
Other names: short protein forms A257G.
Identifiers: ClinVar variation 1804269 (VCV001804269.2), dbSNP rs2048489660, ClinGen allele CA412398168.

ClinVar aggregate classification (germline): Uncertain significance. Review status: criteria provided, multiple submitters, no conflicts (2 of 4 stars). 2 submissions from 2 submitters: Uncertain significance (2). Last evaluated 2025-03-07.

Conditions:
Inborn genetic diseases. Identifiers: MedGen C0950123, MeSH D030342.

Allele frequency attached by ClinVar (database versions not stated): TOPMed below 0.00001.
gnomAD v4.1: 5 of 1,162,197 alleles (0.00043%); highest among the groups gnomAD compares: African/African-American, 0.0088%; no homozygotes.

Submissions (2):

Ambry Genetics
Classification: Uncertain significance for Inborn genetic diseases. Last evaluated: 2025-03-07. Review status: criteria provided, single submitter. Criteria: Ambry Variant Classification Scheme 2023. Collection method: clinical testing. Allele origin: germline.

GeneDx
Classification: Uncertain significance. Last evaluated: 2022-06-14. Review status: criteria provided, single submitter. Criteria: GeneDx Variant Classification Process June 2021. Collection method: clinical testing. Allele origin: germline. Affected: yes.
Comment: Not observed at significant frequency in large population cohorts (gnomAD); In silico analysis supports that this missense variant does not alter protein structure/function; Has not been previously published as pathogenic or benign to our knowledge